The following is an entry in ClinVar:

NM_000574.5(CD55):c.478+5G>A

Gene: CD55 (CD55 molecule (Cromer blood group); plus strand). Cytogenetic location: 1q32.2.
Variant type: single nucleotide variant.
Coding change: c.478+5G>A on transcript NM_000574.5 (MANE Select); 5 bases into the intron after coding-DNA position 478, G replaced by A.
Molecular consequence: intron variant.
Genome position (GRCh38, 1-based): chr1:207,324,755, G>A. VCF-style: chr1-207324755-G-A. GRCh37 (hg19) VCF-style: chr1-207498100-G-A.
Other names: c.478+5G>A (NM_001114752.3, NM_001300903.2, NM_001300904.2 and 1 more transcripts).
Identifiers: ClinVar variation 1418878 (VCV001418878.6), dbSNP rs2102380467, ClinGen allele CA2573131504.

ClinVar aggregate classification (germline): Uncertain significance (1 of 4 stars; one submission).

Allele frequency attached by ClinVar (database versions not stated): gnomAD exomes below 0.00001.
gnomAD v4.1: 1 of 1,590,182 alleles (0.000063%); highest among the groups gnomAD compares: South Asian, 0.0011%; no homozygotes.

Submission:

Labcorp Genetics (formerly Invitae), Labcorp
Classification: Uncertain significance. Last evaluated: 2021-05-27. Review status: criteria provided, single submitter. Criteria: Invitae Variant Classification Sherloc (09022015). Collection method: clinical testing. Allele origin: germline.
Comment: This sequence change falls in intron 3 of the CD55 gene. It does not directly change the encoded amino acid sequence of the CD55 protein. It affects a nucleotide within the consensus splice site of the intron. In summary, the available evidence is currently insufficient to determine the role of this variant in disease. Therefore, it has been classified as a Variant of Uncertain Significance. Nucleotide substitutions within the consensus splice site are a relatively common cause of aberrant splicing (PMID: 17576681, 9536098). Algorithms developed to predict the effect of sequence changes on RNA splicing suggest that this variant may disrupt the consensus splice site, but this prediction has not been confirmed by published transcriptional studies. This variant has not been reported in the literature in individuals with CD55-related conditions. This variant is not present in population databases (ExAC no frequency).

Literature cited by the submitters: PubMed 17576681; PubMed 9536098.